The following is an entry in ClinVar:

ClinVar aggregate classification (germline): Uncertain significance. Review status: criteria provided, multiple submitters, no conflicts (2 of 4 stars). 2 submissions from 2 submitters: Uncertain significance (2). Last evaluated 2023-12-19.

gnomAD v4.1: 1 of 1,613,890 alleles (0.000062%); highest among the groups gnomAD compares: East Asian, 0.0022%; no homozygotes.

Submissions (2):

Ambry Genetics
Classification: Uncertain significance. Last evaluated: 2023-12-19. Review status: criteria provided, single submitter. Criteria: Ambry Variant Classification Scheme 2023. Collection method: clinical testing. Allele origin: germline.

Labcorp Genetics (formerly Invitae), Labcorp
Classification: Uncertain significance. Last evaluated: 2021-04-13. Review status: criteria provided, single submitter. Criteria: Invitae Variant Classification Sherloc (09022015). Collection method: clinical testing. Allele origin: germline.
Comment: In summary, the available evidence is currently insufficient to determine the role of this variant in disease. Therefore, it has been classified as a Variant of Uncertain Significance. Algorithms developed to predict the effect of missense changes on protein structure and function are either unavailable or do not agree on the potential impact of this missense change (SIFT: "Deleterious"; PolyPhen-2: "Possibly Damaging"; Align-GVGD: "Class C0"). This variant has not been reported in the literature in individuals with SBF1-related conditions. This variant is present in population databases (rs753172401, ExAC 0.01%). This sequence change replaces leucine with valine at codon 1133 of the SBF1 protein (p.Leu1133Val). The leucine residue is moderately conserved and there is a small physicochemical difference between leucine and valine.

NM_002972.4(SBF1):c.3397C>G (p.Leu1133Val)

Gene: SBF1 (SET binding factor 1; minus strand). Cytogenetic location: 22q13.33.
Variant type: single nucleotide variant.
Coding change: c.3397C>G on transcript NM_002972.4 (MANE Select); coding-DNA position 3397, C replaced by G.
Protein change: p.Leu1133Val; replaces leucine 1133 with valine.
Molecular consequence: missense variant.
Genome position (GRCh38, 1-based): chr22:50,460,046, G>C on the plus strand (C>G on the coding strand, the complement: SBF1 is on the minus strand). VCF-style: chr22-50460046-G-C. GRCh37 (hg19) VCF-style: chr22-50898475-G-C.
Other names: c.3400C>G, p.Leu1134Val (NM_001365819.1); c.3397C>G (NM_002972.2); short protein forms L1134V, L1133V.
Identifiers: ClinVar variation 1462488 (VCV001462488.9), dbSNP rs753172401, ClinGen allele CA10316730.